The following is an entry in ClinVar:

ClinVar aggregate classification (germline): Uncertain significance. Review status: criteria provided, multiple submitters, no conflicts (2 of 4 stars). 3 submissions from 3 submitters: Uncertain significance (3). Last evaluated 2024-12-18.

Conditions:
PLEC-related disorder. Also called: PLEC-related condition; PLEC-related disorders.
Autosomal recessive limb-girdle muscular dystrophy type 2Q (LGMDR17). Also called: MUSCULAR DYSTROPHY, LIMB-GIRDLE, AUTOSOMAL RECESSIVE 17. Identifiers: Orphanet 254361, MedGen C3150989, MONDO:0013390, OMIM 613723.
Epidermolysis bullosa simplex 5B, with muscular dystrophy (EBS5B). Also called: EPIDERMOLYSIS BULLOSA SIMPLEX AND LIMB-GIRDLE MUSCULAR DYSTROPHY; Epidermolysis bullosa simplex with muscular dystrophy. Identifiers: Orphanet 257, MedGen C2931072, MONDO:0009181, OMIM 226670.
Epidermolysis bullosa simplex, Ogna type (EBS5A). Also called: Pidermolysis bullosa simplex 5A, Ogna type; EPIDERMOLYSIS BULLOSA SIMPLEX 5A, OGNA TYPE. Identifiers: Orphanet 79401, MedGen C0432317, MONDO:0007555, OMIM 131950.
Epidermolysis bullosa simplex with nail dystrophy (EBS5D). Identifiers: MedGen C4225309, MONDO:0014661, OMIM 616487.
Epidermolysis bullosa simplex 5C, with pyloric atresia (EBS5C). Also called: PLEC-Related Epidermolysis Bullosa with Pyloric Atresia; Epidermolysis bullosa simplex with pyloric atresia; PLEC1-Related Epidermolysis Bullosa with Pyloric Atresia. Identifiers: Orphanet 158684, MedGen C2677349, MONDO:0012807, OMIM 612138.

Allele frequency attached by ClinVar (database versions not stated): gnomAD 0.00002 and 0.00003; gnomAD exomes 0.00002 and 0.00004; ExAC 0.00003; TOPMed 0.00003.
gnomAD v4.1: 34 of 1,613,496 alleles (0.0021%); highest among the groups gnomAD compares: South Asian, 0.011%; no homozygotes.

Submissions (3):

PreventionGenetics, part of Exact Sciences
Classification: Uncertain significance for PLEC-related condition. Last evaluated: 2024-12-18. Review status: criteria provided, single submitter. Criteria: ACMG Guidelines, 2015. Collection method: clinical testing. Allele origin: germline.
Comment: The PLEC c.8755G>A variant is predicted to result in the amino acid substitution p.Gly2919Arg. To our knowledge, this variant has not been reported in the literature. This variant is reported in 0.020% of alleles in individuals of South Asian descent in gnomAD. At this time, the clinical significance of this variant is uncertain due to the absence of conclusive functional and genetic evidence.

Labcorp Genetics (formerly Invitae), Labcorp
Classification: Uncertain significance for Autosomal recessive limb-girdle muscular dystrophy type 2Q; Epidermolysis bullosa simplex, Ogna type; Epidermolysis bullosa simplex with nail dystrophy; Epidermolysis bullosa simplex 5C, with pyloric atresia; Epidermolysis bullosa simplex 5B, with muscular dystrophy. Last evaluated: 2023-11-17. Review status: criteria provided, single submitter. Criteria: Invitae Variant Classification Sherloc (09022015). Collection method: clinical testing. Allele origin: germline.
Comment: This sequence change replaces glycine, which is neutral and non-polar, with arginine, which is basic and polar, at codon 2919 of the PLEC protein (p.Gly2919Arg). This variant is present in population databases (rs782213464, gnomAD 0.02%), including at least one homozygous and/or hemizygous individual. This variant has not been reported in the literature in individuals affected with PLEC-related conditions. ClinVar contains an entry for this variant (Variation ID: 502149). Algorithms developed to predict the effect of missense changes on protein structure and function output the following: SIFT: "Not Available"; PolyPhen-2: "Benign"; Align-GVGD: "Not Available". The arginine amino acid residue is found in multiple mammalian species, which suggests that this missense change does not adversely affect protein function. In summary, the available evidence is currently insufficient to determine the role of this variant in disease. Therefore, it has been classified as a Variant of Uncertain Significance.

Eurofins Ntd Llc (ga)
Classification: Uncertain significance. Last evaluated: 2017-05-23. Review status: criteria provided, single submitter. Criteria: EGL Classification Definitions 2015. Collection method: clinical testing. Allele origin: germline. Observed: 1 variant allele, 1 heterozygote.

NM_201384.3(PLEC):c.8674G>A (p.Gly2892Arg)

Gene: PLEC (plectin; minus strand). Cytogenetic location: 8q24.3.
Variant type: single nucleotide variant.
Coding change: c.8674G>A on transcript NM_201384.3 (MANE Select); coding-DNA position 8674, G replaced by A.
Protein change: p.Gly2892Arg; replaces glycine 2892 with arginine.
Molecular consequence: missense variant.
Genome position (GRCh38, 1-based): chr8:143,921,147, C>T on the plus strand (G>A on the coding strand, the complement: PLEC is on the minus strand). VCF-style: chr8-143921147-C-T. GRCh37 (hg19) VCF-style: chr8-144995315-C-T.
Other names: c.8755G>A, p.Gly2919Arg (NM_000445.5); c.8632G>A, p.Gly2878Arg (NM_201378.4); c.8608G>A, p.Gly2870Arg (NM_201379.3); c.9085G>A, p.Gly3029Arg (NM_201380.4); c.8578G>A, p.Gly2860Arg (NM_201381.3); c.8674G>A, p.Gly2892Arg (NM_201382.4); c.8686G>A, p.Gly2896Arg (NM_201383.3); short protein forms G2860R, G2870R, G2878R, G2892R, G2896R, G2919R, G3029R.
Identifiers: ClinVar variation 502149 (VCV000502149.12), dbSNP rs782213464, ClinGen allele CA4925221.
Genomic context (GRCh38, chr8:143,921,147, plus strand): 5'-CAGACACGGTGGCCTTCTCAAAGACGTCCCGGGCCTCGGAGTCAGTGTAGACCAGCTCCC[C>T]GCCCTTGGCAGCCTTATCCGTGAGTGGCAGAAGGCACAGGCCCGTCTCGGGGTCCTCCAC-3'
Protein context (NP_958786.1, residues 2882-2902): LPLTDKAAKG[Gly2892Arg]ELVYTDSEAR